The following is an entry in ClinVar:

ClinVar aggregate classification (germline): Uncertain significance (1 of 4 stars; one submission).

Submission:

GeneDx
Classification: Uncertain significance. Last evaluated: 2023-11-29. Review status: criteria provided, single submitter. Criteria: GeneDx Variant Classification Process June 2021. Collection method: clinical testing. Allele origin: germline. Affected: yes.
Comment: Has not been previously published as pathogenic or benign to our knowledge; Canonical splice site variant in a gene for which loss-of-function is not a known mechanism of disease; No data available from control populations to assess the frequency of this variant

NM_001258244.2(TMEM218):c.-152-2A>C

Gene: TMEM218 (transmembrane protein 218; minus strand). Cytogenetic location: 11q24.2.
Variant type: single nucleotide variant.
Coding change: c.-152-2A>C on transcript NM_001258244.2 (MANE Select); the canonical splice acceptor site of the intron before 152 bases upstream of the start codon, A replaced by C.
Molecular consequence: splice acceptor variant.
Genome position (GRCh38, 1-based): chr11:125,102,811, T>G on the plus strand (A>C on the coding strand, the complement: TMEM218 is on the minus strand). VCF-style: chr11-125102811-T-G. GRCh37 (hg19) VCF-style: chr11-124972707-T-G.
Other names: c.-152-2A>C (NM_001387240.1, NM_001387246.1, NM_001258241.2 and 10 more transcripts); c.-186-2A>C (NM_001387245.1, NM_001387235.1, NM_001387238.1 and 1 more transcripts); c.-144-2A>C (NM_001387250.1, NM_001387255.1, NM_001387253.1 and 7 more transcripts); c.-249-2A>C (NM_001387247.1, NM_001387231.1, NM_001258239.3 and 3 more transcripts); c.-283-2A>C (NM_001387236.1, NM_001387244.1, NM_001080546.3 and 2 more transcripts); c.-137-2A>C (NM_001258247.2).
Identifiers: ClinVar variation 3365136 (VCV003365136.1).
Genomic context (GRCh38, chr11:125,102,811, plus strand): 5'-GACAGAAAGTTCCCACTCTGTTGTCGAGTTCTTATTCAAGAGGATGAAAACTCCCAGTCC[T>G]TAAAGAAGAGGAACAGCCATCACTATTTTTGAACATTCACTGTGTGCTAAGTGCCGTACA-3'